The following is an entry in ClinVar:

NM_000219.6(KCNE1):c.85G>C (p.Gly29Arg)

Gene: KCNE1 (potassium voltage-gated channel subfamily E regulatory subunit 1; minus strand). Cytogenetic location: 21q22.12.
Variant type: single nucleotide variant.
Coding change: c.85G>C on transcript NM_000219.6 (MANE Select); coding-DNA position 85, G replaced by C.
Protein change: p.Gly29Arg; replaces glycine 29 with arginine.
Molecular consequence: missense variant.
Genome position (GRCh38, 1-based): chr21:34,449,550, C>G on the plus strand (G>C on the coding strand, the complement: KCNE1 is on the minus strand). VCF-style: chr21-34449550-C-G. GRCh37 (hg19) VCF-style: chr21-35821848-C-G.
Other names: c.85G>C, p.Gly29Arg (NM_001127668.4, NM_001127669.4, NM_001127670.4 and 4 more transcripts); short protein forms G29R.
Identifiers: ClinVar variation 3374006 (VCV003374006.2).
Genomic context (GRCh38, chr21:34,449,550, plus strand): 5'-TGAGGACGTAGAGGGCCTCCAGCTTGCCGTCACTGCTGCGGGGGGACCTGCGGGCCAGGC[C>G]CGACATGTTGCCACCCTGCTGAACTGTCTCCTGCCACAGCTTGGTCAGAAAGGGCGTCAC-3'
Protein context (NP_000210.2, residues 19-39): ETVQQGGNMS[Gly29Arg]LARRSPRSSD

Conditions:
Long QT syndrome 5 (LQT5). Identifiers: Orphanet 101016, Orphanet 768, MedGen C1867904, MONDO:0013372, OMIM 613695.

Submission:

Roden Lab, Vanderbilt University Medical Center
No classification provided (evidence only). Condition: Long QT syndrome 5. Review status: no classification provided. Collection method: in vitro. Allele origin: not applicable. Functional consequence: Effect on ion channel function.
ClinVar note: "not provided" was previously submitted as the classification for the variant. However, the classification appeared to be based only on an observation of functional data so it was converted to no classification on 2025-07-30.